The following is an entry in ClinVar:

ClinVar aggregate classification (germline): Uncertain significance. Review status: criteria provided, multiple submitters, no conflicts (2 of 4 stars). 2 submissions from 2 submitters: Uncertain significance (2). Last evaluated 2025-10-28.

Allele frequency attached by ClinVar (database versions not stated): ExAC 0.00002; gnomAD 0.00002 and 0.00003; gnomAD exomes 0.00002 and 0.00005; TOPMed 0.00004.
gnomAD v4.1: 73 of 1,613,204 alleles (0.0045%); highest among the groups gnomAD compares: Non-Finnish European, 0.0056%; no homozygotes.

Submissions (2):

Women's Health and Genetics/Laboratory Corporation of America, LabCorp
Classification: Uncertain significance. Last evaluated: 2025-10-28. Review status: criteria provided, single submitter. Criteria: LabCorp Variant Classification Summary - May 2015. Collection method: clinical testing. Allele origin: germline.
Comment: Variant summary: OTULIN c.487A>G (p.Ser163Gly) results in a non-conservative amino acid change in the encoded protein sequence. Algorithms developed to predict the effect of missense changes on protein structure and function are either unavailable or do not agree on the potential impact of this missense change. The variant allele was found at a frequency of 1.6e-05 in 248400 control chromosomes. The available data on variant occurrences in the general population are insufficient to allow any conclusion about variant significance. To our knowledge, no occurrence of c.487A>G in individuals affected with OTULIN-related conditions and no experimental evidence demonstrating its impact on protein function have been reported. ClinVar contains an entry for this variant (Variation ID: 1400004). Based on the evidence outlined above, the variant was classified as uncertain significance.

Labcorp Genetics (formerly Invitae), Labcorp
Classification: Uncertain significance. Last evaluated: 2022-06-27. Review status: criteria provided, single submitter. Criteria: Invitae Variant Classification Sherloc (09022015). Collection method: clinical testing. Allele origin: germline.
Comment: This sequence change replaces serine, which is neutral and polar, with glycine, which is neutral and non-polar, at codon 163 of the OTULIN protein (p.Ser163Gly). This variant is present in population databases (rs770508856, gnomAD 0.004%). This variant has not been reported in the literature in individuals affected with OTULIN-related conditions. Algorithms developed to predict the effect of missense changes on protein structure and function are either unavailable or do not agree on the potential impact of this missense change (SIFT: "Deleterious"; PolyPhen-2: "Benign"; Align-GVGD: "Class C0"). In summary, the available evidence is currently insufficient to determine the role of this variant in disease. Therefore, it has been classified as a Variant of Uncertain Significance.

NM_138348.6(OTULIN):c.487A>G (p.Ser163Gly)

Gene: OTULIN (OTU deubiquitinase with linear linkage specificity; plus strand). Cytogenetic location: 5p15.2.
Variant type: single nucleotide variant.
Coding change: c.487A>G on transcript NM_138348.6 (MANE Select); coding-DNA position 487, A replaced by G.
Protein change: p.Ser163Gly; replaces serine 163 with glycine.
Molecular consequence: missense variant.
Genome position (GRCh38, 1-based): chr5:14,687,539, A>G. VCF-style: chr5-14687539-A-G. GRCh37 (hg19) VCF-style: chr5-14687648-A-G.
Other names: short protein forms S163G.
Identifiers: ClinVar variation 1400004 (VCV001400004.7), dbSNP rs770508856, ClinGen allele CA3208632.
Genomic context (GRCh38, chr5:14,687,539, plus strand): 5'-AATGTTAACACTTCTTTATCTCTTTGTTTCTCGATGTTGTAGTTACCAGAAAAACTCATA[A>G]GCAAATACAACTGGATCAAGCAATGGAAACTTGGACTGAAATTTGATGGGAAGAATGAGG-3'
Protein context (NP_612357.4, residues 153-173): ELMLLPEKLI[Ser163Gly]KYNWIKQWKL